The following is an entry in ClinVar:

NM_022455.5(NSD1):c.3387_3389delinsGG (p.Phe1129fs)

Gene: NSD1 (nuclear receptor binding SET domain protein 1; plus strand). Cytogenetic location: 5q35.3.
Variant type: Indel.
Coding change: c.3387_3389delinsGG on transcript NM_022455.5 (MANE Select); coding-DNA positions 3387 to 3389, TGA replaced by GG.
Protein change: p.Phe1129fs; shifts the reading frame from phenylalanine 1129.
Molecular consequence: frameshift variant.
Genome position (GRCh38, 1-based): chr5:177,211,786-177,211,788, TGA replaced by GG. VCF-style: chr5-177211786-TGA-GG. GRCh37 (hg19) VCF-style: chr5-176638787-TGA-GG.
Other names: c.2514_2516delTGAinsGG, p.Phe838Leufs (NM_001365684.2, NM_001409306.1, NM_001409307.1 and 3 more transcripts); c.3387_3389delTGAinsGG, p.Phe1129Leufs (NM_001409301.1, NM_001409302.1, NM_001409303.1); c.2967_2969delTGAinsGG, p.Phe989Leufs (NM_001409304.1); c.2634_2636delTGAinsGG, p.Phe878Leufs (NM_001409305.1); short protein forms F860fs, F1129fs.
Identifiers: ClinVar variation 265670 (VCV000265670.2), dbSNP rs886039717, ClinGen allele CA10588399.

ClinVar aggregate classification (germline): Pathogenic (1 of 4 stars; one submission).

Submission:

GeneDx
Classification: Pathogenic. Last evaluated: 2016-08-08. Review status: criteria provided, single submitter. Criteria: GeneDx Variant Classification (06012015). Collection method: clinical testing. Allele origin: germline. Affected: yes.
Comment: The c.3387_3389delTGAinsGG pathogenic variant in the NSD1 gene causes a frameshift starting with codon Phenylalanine 1129, changes this amino acid to a Leucine residue and creates a premature Stop codon at position 12 of the new reading frame, denoted p.F1129LfsX12. This variant is predicted to cause loss of normal protein function either through protein truncation or nonsense-mediated mRNA decay. It was not observed in approximately 6,500 individuals of European and African American ancestry in the NHLBI Exome Sequencing Project, indicating it is not a common benign variant in these populations. Many other frameshift variants downstream of this position have been reported in the Human Gene Mutation Database in association with Sotos syndrome (Stenson et al., 2014).